The following is an entry in ClinVar:

NM_014263.4(YME1L1):c.1409A>G (p.Gln470Arg)

Gene: YME1L1 (YME1 like 1 ATPase; minus strand). Cytogenetic location: 10p12.1.
Variant type: single nucleotide variant.
Coding change: c.1409A>G on transcript NM_014263.4 (MANE Select); coding-DNA position 1409, A replaced by G.
Protein change: p.Gln470Arg; replaces glutamine 470 with arginine.
Molecular consequence: missense variant.
Genome position (GRCh38, 1-based): chr10:27,120,437, T>C on the plus strand (A>G on the coding strand, the complement: YME1L1 is on the minus strand). VCF-style: chr10-27120437-T-C. GRCh37 (hg19) VCF-style: chr10-27409366-T-C.
Other names: c.1310A>G, p.Gln437Arg (NM_001253866.2); c.1580A>G, p.Gln527Arg (NM_139312.3); short protein forms Q527R, Q437R, Q470R.
Identifiers: ClinVar variation 3685702 (VCV003685702.2).

ClinVar aggregate classification (germline): Uncertain significance (1 of 4 stars; one submission).

gnomAD v4.1: 1 of 1,606,866 alleles (0.000062%); highest among the groups gnomAD compares: South Asian, 0.0011%; no homozygotes.

Submission:

Labcorp Genetics (formerly Invitae), Labcorp
Classification: Uncertain significance. Last evaluated: 2024-05-18. Review status: criteria provided, single submitter. Criteria: Invitae Variant Classification Sherloc (09022015). Collection method: clinical testing. Allele origin: germline.
Comment: This sequence change replaces glutamine, which is neutral and polar, with arginine, which is basic and polar, at codon 527 of the YME1L1 protein (p.Gln527Arg). This variant is not present in population databases (gnomAD no frequency). This variant has not been reported in the literature in individuals affected with YME1L1-related conditions. An algorithm developed to predict the effect of missense changes on protein structure and function (PolyPhen-2) suggests that this variant is likely to be tolerated. In summary, the available evidence is currently insufficient to determine the role of this variant in disease. Therefore, it has been classified as a Variant of Uncertain Significance.